The following is an entry in ClinVar:

NM_001190274.2(FBXO11):c.238G>A (p.Asp80Asn)

Gene: FBXO11 (F-box protein 11; minus strand). Cytogenetic location: 2p16.3.
Variant type: single nucleotide variant.
Coding change: c.238G>A on transcript NM_001190274.2 (MANE Select); coding-DNA position 238, G replaced by A.
Protein change: p.Asp80Asn; replaces aspartic acid 80 with asparagine.
Molecular consequence: missense variant. On other transcripts: 5 prime UTR variant (2).
Genome position (GRCh38, 1-based): chr2:47,839,764, C>T on the plus strand (G>A on the coding strand, the complement: FBXO11 is on the minus strand). VCF-style: chr2-47839764-C-T. GRCh37 (hg19) VCF-style: chr2-48066903-C-T.
Other names: c.-15G>A (NM_001374325.1, NM_025133.4); short protein forms D80N.
Identifiers: ClinVar variation 975693 (VCV000975693.8), dbSNP rs371395626, ClinGen allele CA1650209.
Genomic context (GRCh38, chr2:47,839,764, plus strand): 5'-GGTATGGACTATTTTGTGCACCAGGACCTGATTCTTCTGCAACCATATCTGCAGGCACAT[C>T]ATCATCTGTTATAAACAAAAGCAATAAGAAAAATTATACCCTTTTTAAAAAAAGTTCTAT-3'
Protein context (NP_001177203.1, residues 70-90): ERNNVGERDD[Asp80Asn]VPADMVAEES

ClinVar aggregate classification (germline): Uncertain significance. Review status: criteria provided, single submitter (1 of 4 stars). 2 submissions from 2 submitters: Uncertain significance (1). 1 of the submissions does not count toward it. Last evaluated 2024-08-07.

Conditions:
Intellectual disability. Also called: intellectual disabilities; Intellectual developmental disorder; Intellectual functioning disability. Identifiers: MedGen C3714756, MeSH D008607, MONDO:0001071, HP:0001249.

Allele frequency attached by ClinVar (database versions not stated): gnomAD 0.00002 and 0.00003; ESP Exome Variant Server 0.00008; gnomAD exomes 0.00012 and 0.00004; TOPMed 0.00003; ExAC 0.00003.

Submissions (2):

Labcorp Genetics (formerly Invitae), Labcorp
Classification: Uncertain significance. Last evaluated: 2024-08-07. Review status: criteria provided, single submitter. Criteria: Invitae Variant Classification Sherloc (09022015). Collection method: clinical testing. Allele origin: germline.
Comment: This sequence change replaces aspartic acid, which is acidic and polar, with asparagine, which is neutral and polar, at codon 80 of the FBXO11 protein (p.Asp80Asn). This variant is present in population databases (rs371395626, gnomAD 0.009%). This variant has not been reported in the literature in individuals affected with FBXO11-related conditions. ClinVar contains an entry for this variant (Variation ID: 975693). An algorithm developed to predict the effect of missense changes on protein structure and function (PolyPhen-2) suggests that this variant¬†is likely to be tolerated. In summary, the available evidence is currently insufficient to determine the role of this variant in disease. Therefore, it has been classified as a Variant of Uncertain Significance.

Centre de Biologie Pathologie Génétique, Centre Hospitalier Universitaire de Lille
Classification: Likely benign for Intellectual disability. Last evaluated: 2019-01-01. Review status: no assertion criteria provided. Collection method: clinical testing. Allele origin: inherited. Affected: yes. Not counted in ClinVar's aggregate classification.